The following is an entry in ClinVar:

NM_002691.4(POLD1):c.151C>T (p.Gln51Ter)

Gene: POLD1 (DNA polymerase delta 1, catalytic subunit; plus strand). Cytogenetic location: 19q13.33.
Variant type: single nucleotide variant.
Coding change: c.151C>T on transcript NM_002691.4 (MANE Select); coding-DNA position 151, C replaced by T.
Protein change: p.Gln51Ter; replaces glutamine 51 with a stop codon.
Molecular consequence: nonsense. On other transcripts: non-coding transcript variant (1).
Genome position (GRCh38, 1-based): chr19:50,399,002, C>T. VCF-style: chr19-50399002-C-T. GRCh37 (hg19) VCF-style: chr19-50902259-C-T.
Other names: c.151C>T, p.Gln51Ter (NM_001256849.1, NM_001308632.1, NM_001438210.1 and 3 more transcripts); short protein forms Q51*.
Identifiers: ClinVar variation 4773808 (VCV004773808.1).

ClinVar aggregate classification (germline): Uncertain significance (1 of 4 stars; one submission).

Conditions:
POLD1-related polyposis and colorectal cancer syndrome (CRCS10). Also called: COLORECTAL CANCER, SUSCEPTIBILITY TO, ON CHROMOSOME 19q; Colorectal cancer 10; Colorectal cancer, susceptibility to, 10. Identifiers: Orphanet 220460, MedGen C2675481, MONDO:0012953, OMIM 612591.

Submission:

Labcorp Genetics (formerly Invitae), Labcorp
Classification: Uncertain significance for POLD1-related polyposis and colorectal cancer syndrome. Last evaluated: 2025-10-06. Review status: criteria provided, single submitter. Criteria: Invitae Variant Classification Sherloc (09022015). Collection method: clinical testing. Allele origin: germline.
Comment: This sequence change creates a premature translational stop signal (p.Gln51*) in the POLD1 gene. Missense variants that disrupt the 3'-5' exonuclease (proof-reading) activity of the POLD1 protein are associated with PPAP (polymerase proofreading–associated polyposis) (PMID: 23263490, 23447401). However, loss-of-function variants that result in an absent or severely disrupted POLD1 protein, and missense variants outside the exonuclease domain, are unlikely to be associated with PPAP. This variant is not present in population databases (gnomAD no frequency). This variant has not been reported in the literature in individuals affected with POLD1-related conditions. RNA analysis performed to evaluate the impact of this premature translational stop signal on mRNA splicing indicates it does not significantly alter splicing (internal data). In summary, the available evidence is currently insufficient to determine the role of this variant in disease. Therefore, it has been classified as a Variant of Uncertain Significance.

Literature cited by the submitters: PubMed 23263490; PubMed 23447401.